The following is an entry in ClinVar:

ClinVar aggregate classification (germline): Uncertain significance (1 of 4 stars; one submission).

Submission:

Labcorp Genetics (formerly Invitae), Labcorp
Classification: Uncertain significance. Last evaluated: 2025-11-08. Review status: criteria provided, single submitter. Criteria: Invitae Variant Classification Sherloc (09022015). Collection method: clinical testing. Allele origin: germline.
Comment: This sequence change falls in intron 13 of the PDE6B gene. It does not directly change the encoded amino acid sequence of the PDE6B protein. This variant is present in population databases (rs758506008, gnomAD 0.008%). This variant has not been reported in the literature in individuals affected with PDE6B-related conditions. Algorithms developed to predict the effect of sequence changes on RNA splicing suggest that this variant may disrupt the consensus splice site. In summary, the available evidence is currently insufficient to determine the role of this variant in disease. Therefore, it has been classified as a Variant of Uncertain Significance.

NM_000283.4(PDE6B):c.1723-6_1723-5del

Gene: PDE6B (phosphodiesterase 6B; plus strand). Cytogenetic location: 4p16.3.
Variant type: Microsatellite.
Coding change: c.1723-6_1723-5del on transcript NM_000283.4 (MANE Select); 6 bases into the intron before coding-DNA position 1723 through 5 bases into the intron before coding-DNA position 1723, 2 bases deleted (CT; older notation c.1723-6_1723-5delCT).
Molecular consequence: intron variant.
Genome position (GRCh38, 1-based): chr4:662,503-662,504, CT deleted; deleting any 2 consecutive bases within chr4:662,500-662,504 gives the same sequence; the c. name uses the placement nearest the transcript's 3' end. VCF-style (leftmost placement, unchanged base first): chr4-662499-GTC-G. GRCh37 (hg19) VCF-style: chr4-656288-GTC-G.
Other names: c.1723-6_1723-5del (NM_001145291.2, NM_001440547.1, NM_001440548.1); c.886-6_886-5del (NM_001379246.1, NM_001379247.1, NM_001145292.2 and 1 more transcripts); c.568-6_568-5del (NM_001350155.3).
Identifiers: ClinVar variation 4698020 (VCV004698020.1).